The following is an entry in ClinVar:

NM_003238.6(TGFB2):c.67A>G (p.Thr23Ala)

Gene: TGFB2 (transforming growth factor beta 2; plus strand). Cytogenetic location: 1q41.
Variant type: single nucleotide variant.
Coding change: c.67A>G on transcript NM_003238.6 (MANE Select); coding-DNA position 67, A replaced by G.
Protein change: p.Thr23Ala; replaces threonine 23 with alanine.
Molecular consequence: missense variant. On other transcripts: non-coding transcript variant (2).
Genome position (GRCh38, 1-based): chr1:218,346,768, A>G. VCF-style: chr1-218346768-A-G. GRCh37 (hg19) VCF-style: chr1-218520110-A-G.
Other names: c.67A>G, p.Thr23Ala (NM_001135599.4); short protein forms T23A.
Identifiers: ClinVar variation 3341000 (VCV003341000.1).

ClinVar aggregate classification (germline): Uncertain significance (1 of 4 stars; one submission).

gnomAD v4.1: 1 of 1,613,914 alleles (0.000062%); no homozygotes.

Submission:

GeneDx
Classification: Uncertain significance. Last evaluated: 2021-06-16. Review status: criteria provided, single submitter. Criteria: GeneDx Variant Classification Process June 2021. Collection method: clinical testing. Allele origin: germline. Affected: yes.
Comment: Not observed at significant frequency in large population cohorts (gnomAD); In silico analysis supports that this missense variant has a deleterious effect on protein structure/function; Has not been previously published as pathogenic or benign to our knowledge; This variant is associated with the following publications: (PMID: 27535533)